The following is an entry in ClinVar:

NM_001009944.3(PKD1):c.12056_12058del (p.Leu4019del)

Gene: PKD1 (polycystin 1, transient receptor potential channel interacting; minus strand). Cytogenetic location: 16p13.3.
Variant type: Deletion.
Coding change: c.12056_12058del on transcript NM_001009944.3 (MANE Select); coding-DNA positions 12056 to 12058, 3 bases deleted (TAT; older notation c.12056_12058delTAT).
Protein change: p.Leu4019del; deletes leucine 4019.
Molecular consequence: inframe deletion.
Genome position (GRCh38, 1-based): chr16:2,090,754-2,090,756, ATA deleted on the plus strand (TAT on the coding strand, the reverse complement: PKD1 is on the minus strand); deleting any 3 consecutive bases within chr16:2,090,754-2,090,758 gives the same sequence; the c. name uses the placement nearest the transcript's 3' end. VCF-style (leftmost placement, unchanged base first): chr16-2090753-CATA-C. GRCh37 (hg19) VCF-style: chr16-2140754-CATA-C.
Other names: c.12053_12055del, p.Leu4018del (NM_000296.4); short protein forms L4018del, L4019del.
Identifiers: ClinVar variation 3382801 (VCV003382801.2).
Genomic context (GRCh38, chr16:2,090,753, plus strand): 5'-TAGGCTACCCCGAGCACCACCAGGCCCAAGGTGACCCCCAGGAGCTCTGGCAGAGCTCGG[CATA>C]ATGTCTTGCCAAAGACGGACCACTGGCGCACGAAGCGTAGCTGCTGGGCAGCCTGCGGAC-3'

ClinVar aggregate classification (germline): Uncertain significance (1 of 4 stars; one submission).

Conditions:
Polycystic kidney disease, adult type (PKD1). Also called: POLYCYSTIC KIDNEY DISEASE, ADULT, TYPE I; Polycystic Kidney Disease 1, Autosomal Dominant; Polycystic kidney disease 1; Polycystic kidney disease 1, severe; Polycystic Kidney, Autosomal Dominant; POLYCYSTIC KIDNEY DISEASE 1 WITH OR WITHOUT POLYCYSTIC LIVER DISEASE. Identifiers: MedGen C3149841, MONDO:0008263, OMIM 173900.

Submission:

Juno Genomics, Hangzhou Juno Genomics, Inc
Classification: Uncertain significance for Polycystic kidney disease, adult type. Review status: criteria provided, single submitter. Criteria: ACMG Guidelines, 2015. Collection method: clinical testing. Allele origin: germline. Affected: yes.
Comment: Absent from controls (or at extremely low frequency if recessive) in Genome Aggregation Database, Exome Sequencing Project, 1000 Genomes Project, or Exome Aggregation Consortium.;De novo (both maternity and paternity confirmed) in a patient with the disease and no family history.;Protein length changes due to in-frame deletions/insertions in a non-repeat region or stop-loss variants.